The following is an entry in ClinVar:

NM_000321.3(RB1):c.2091C>A (p.Asp697Glu)

Gene: RB1 (RB transcriptional corepressor 1; plus strand). Cytogenetic location: 13q14.2.
Variant type: single nucleotide variant.
Coding change: c.2091C>A on transcript NM_000321.3 (MANE Select); coding-DNA position 2091, C replaced by A.
Protein change: p.Asp697Glu; replaces aspartic acid 697 with glutamic acid.
Molecular consequence: missense variant.
Genome position (GRCh38, 1-based): chr13:48,459,818, C>A. VCF-style: chr13-48459818-C-A. GRCh37 (hg19) VCF-style: chr13-49033954-C-A.
Other names: c.2091C>A, p.Asp697Glu (NM_001407165.1); short protein forms D697E.
Identifiers: ClinVar variation 3387575 (VCV003387575.1).

ClinVar aggregate classification (germline): Uncertain significance (1 of 4 stars; one submission).

Conditions:
Retinoblastoma (RB1). Also called: RETINOBLASTOMA, SOMATIC. Identifiers: Orphanet 790, MedGen C0035335, MeSH D012175, MONDO:0008380, OMIM 180200, HP:0009919. Disease mechanism: loss of function. Inheritance: Both sporadic and heritable forms are tested..

Submission:

All of Us Research Program, National Institutes of Health
Classification: Uncertain significance for Retinoblastoma. Last evaluated: 2024-07-20. Review status: criteria provided, single submitter. Criteria: ACMG Guidelines, 2015. Collection method: clinical testing. Allele origin: germline. Inheritance: Autosomal dominant inheritance. Observed: 1 variant allele, 1 heterozygote.
Comment: This missense variant replaces aspartic acid with glutamic acid at codon 697 of the RB1 protein. Computational prediction suggests that this variant may have deleterious impact on protein structure and function (internally defined REVEL score threshold >= 0.7, PMID: 27666373). To our knowledge, functional studies have not been reported for this variant. This variant has not been reported in individuals affected with RB1-related disorders in the literature. This variant has not been identified in the general population by the Genome Aggregation Database (gnomAD). The available evidence is insufficient to determine the role of this variant in disease conclusively. Therefore, this variant is classified as a Variant of Uncertain Significance.

This study involves interpretation of variants in research participants for the purpose of population health screening. Participant phenotype was not available at the time of variant classification. Additional details can be found in publication PMID: 35346344, PMCID: PMC8962531